The following is an entry in ClinVar:

NM_000059.4(BRCA2):c.68-394T>C

Gene: BRCA2 (BRCA2 DNA repair associated; plus strand). Cytogenetic location: 13q13.1.
Variant type: single nucleotide variant.
Coding change: c.68-394T>C on transcript NM_000059.4 (MANE Select); 394 bases into the intron before coding-DNA position 68, T replaced by C.
Molecular consequence: intron variant.
Genome position (GRCh38, 1-based): chr13:32,318,683, T>C. VCF-style: chr13-32318683-T-C. GRCh37 (hg19) VCF-style: chr13-32892820-T-C.
Other names: IVS 2-394T>C.
Identifiers: ClinVar variation 209616 (VCV000209616.2), dbSNP rs11571584, ClinGen allele CA276585.

ClinVar aggregate classification (germline): Benign. Review status: reviewed by expert panel (3 of 4 stars). 2 submissions from 2 submitters: Benign (1). 1 of the submissions does not count toward it. Last evaluated 2015-01-12.

Conditions:
Breast-ovarian cancer, familial, susceptibility to, 2 (BROVCA2). Also called: BRCA2 Hereditary Breast and Ovarian Cancer. Identifiers: Orphanet 145, MedGen C2675520, MONDO:0012933, OMIM 612555. Disease mechanism: loss of function.

Allele frequency attached by ClinVar (database versions not stated): gnomAD 0.04783 and 0.05051; TOPMed 0.05256; 1000 Genomes Project 30x 0.07933; 1000 Genomes Project 0.07967.
gnomAD v4.1: 7,712 of 152,246 alleles (5.1%); highest among the groups gnomAD compares: Admixed American, 10%; 269 homozygotes.

Submissions (2):

Evidence-based Network for the Interpretation of Germline Mutant Alleles (ENIGMA)
Classification: Benign for Breast-ovarian cancer, familial 2. Last evaluated: 2015-01-12. Review status: reviewed by expert panel. Criteria: ENIGMA BRCA1/2 Classification Criteria (2015). Collection method: curation. Allele origin: germline.
Comment: Class 1 not pathogenic based on frequency >1% in an outbred sampleset. Frequency 0.09441 (Asian), 0.03252 (African), 0.04617 (European), derived from 1000 genomes (2012-04-30).

Breakthrough Genomics
Classification: Benign. Review status: criteria provided, single submitter. Criteria: ACMG Guidelines, 2015. Collection method: not provided. Allele origin: germline. Inheritance: Autosomal recessive inheritance. Affected: yes. Not counted in ClinVar's aggregate classification.